The following is an entry in ClinVar:

NM_014159.7(SETD2):c.7355C>T (p.Ser2452Leu)

Gene: SETD2 (SET domain containing 2, histone lysine methyltransferase; minus strand). Cytogenetic location: 3p21.31.
Variant type: single nucleotide variant.
Coding change: c.7355C>T on transcript NM_014159.7 (MANE Select); coding-DNA position 7355, C replaced by T.
Protein change: p.Ser2452Leu; replaces serine 2452 with leucine.
Molecular consequence: missense variant. On other transcripts: non-coding transcript variant (1).
Genome position (GRCh38, 1-based): chr3:47,019,836, G>A on the plus strand (C>T on the coding strand, the complement: SETD2 is on the minus strand). VCF-style: chr3-47019836-G-A. GRCh37 (hg19) VCF-style: chr3-47061326-G-A.
Other names: c.7223C>T, p.Ser2408Leu (NM_001349370.3); short protein forms S2408L, S2452L.
Identifiers: ClinVar variation 956457 (VCV000956457.9), dbSNP rs775780402, ClinGen allele CA2362502.
Genomic context (GRCh38, chr3:47,019,836, plus strand): 5'-TCTTTGCTTTTCTTTGCTAGTTCACTGGAGGTGTCTGCTTCTGCTGTCTTGGGCTTTTTC[G>A]AGGCCTAAAAATGGAGGAGAAAACACAGTGGTGCTGGCATGAGAAGTCAGTTTAGTGATG-3'
Protein context (NP_054878.5, residues 2442-2462): PTYDENPMKA[Ser2452Leu]KKPKTAEADT

ClinVar aggregate classification (germline): Conflicting classifications of pathogenicity. Review status: criteria provided, conflicting classifications (1 of 4 stars). 4 submissions from 4 submitters: Uncertain significance (3); Likely benign (1). Last evaluated 2024-11-18.

Conditions:
Luscan-Lumish syndrome. Identifiers: Orphanet 597738, MedGen C4085873, MONDO:0014791, OMIM 616831.
Inborn genetic diseases. Identifiers: MedGen C0950123, MeSH D030342.

Allele frequency attached by ClinVar (database versions not stated): gnomAD 0.00003 and 0.00004; gnomAD exomes 0.00003 and 0.00006; ExAC 0.00004; TOPMed 0.00004.
gnomAD v4.1: 98 of 1,613,466 alleles (0.0061%); highest among the groups gnomAD compares: Admixed American, 0.0083%; no homozygotes.

Submissions (4):

Labcorp Genetics (formerly Invitae), Labcorp
Classification: Likely benign for Luscan-Lumish syndrome. Last evaluated: 2024-11-18. Review status: criteria provided, single submitter. Criteria: Invitae Variant Classification Sherloc (09022015). Collection method: clinical testing. Allele origin: germline.

Ambry Genetics
Classification: Uncertain significance for Inborn genetic diseases. Last evaluated: 2022-07-12. Review status: criteria provided, single submitter. Criteria: Ambry Variant Classification Scheme 2023. Collection method: clinical testing. Allele origin: germline.
Comment: Unlikely to be causative of Luscan-Lumish syndrome (AD) Based on insufficient or conflicting evidence, the clinical significance of this alteration remains unclear.

Genome-Nilou Lab
Classification: Uncertain significance for Luscan-Lumish syndrome. Last evaluated: 2022-03-15. Review status: criteria provided, single submitter. Criteria: ACMG Guidelines, 2015. Collection method: clinical testing. Allele origin: germline. Affected: no.

New York Genome Center
Classification: Uncertain significance for Luscan-Lumish syndrome. Last evaluated: 2020-04-25. Review status: criteria provided, single submitter. Criteria: NYGC Assertion Criteria 2020. Collection method: clinical testing. Allele origin: germline. Observed: 1 heterozygote. Study: CSER-NYCKidSeq.
Comment: The p.Ser2452Leu variant identified in SETD2 has not been reported in affected individuals in the literature. The variant has 0.0000278 allele frequency in gnomAD database (7 out of 251,388 heterozygous alleles) indicating it is a rare allele in general population. The variant affects an evolutionarily conserved residue and is predicted deleterious by multiple in silico prediction tools. Based on the current evidence, the p.Ser2452Leu variant in the SETD2 gene is assessed as a variant of uncertain significance.

Literature cited by the submitters: PubMed 33004838 (cited by Ambry Genetics).